The following is an entry in ClinVar:

ClinVar aggregate classification (germline): Likely benign (1 of 4 stars; one submission).

Allele frequency attached by ClinVar (database versions not stated): TOPMed below 0.00001; gnomAD 0.00008; ExAC 0.00039; 1000 Genomes Project 0.00040; 1000 Genomes Project 30x 0.00062.
gnomAD v4.1: 243 of 1,611,542 alleles (0.015%); highest among the groups gnomAD compares: South Asian, 0.26%; 4 homozygotes.

Submission:

CeGaT Center for Human Genetics Tuebingen
Classification: Likely benign. Last evaluated: 2022-12-01. Review status: criteria provided, single submitter. Criteria: CeGaT Center For Human Genetics Tuebingen Variant Classification Criteria Version 2. Collection method: clinical testing. Allele origin: germline. Affected: yes. Observed: 1 variant allele.
Comment: TRMT1: BP4, BP7

NM_001136035.4(TRMT1):c.633A>C (p.Ala211=)

Gene: TRMT1 (tRNA methyltransferase 1; minus strand). Cytogenetic location: 19p13.13.
Variant type: single nucleotide variant.
Coding change: c.633A>C on transcript NM_001136035.4 (MANE Select); coding-DNA position 633, A replaced by C.
Protein change: p.Ala211=; no amino-acid change (alanine 211 retained).
Molecular consequence: synonymous variant. On other transcripts: 5 prime UTR variant (1).
Genome position (GRCh38, 1-based): chr19:13,115,287, T>G on the plus strand (A>C on the coding strand, the complement: TRMT1 is on the minus strand). VCF-style: chr19-13115287-T-G. GRCh37 (hg19) VCF-style: chr19-13226101-T-G.
Other names: c.633A>C, p.Ala211= (NM_001142554.3, NM_001351760.2, NM_017722.5); c.525A>C, p.Ala175= (NM_001351761.2); c.-138A>C (NM_001351762.2).
Identifiers: ClinVar variation 2649369 (VCV002649369.24), dbSNP rs376673169, ClinGen allele CA9237994.
Genomic context (GRCh38, chr19:13,115,287, plus strand): 5'-TTGACCCCAGGCAGGCTTGTCCCAGAGCTAGGCTGTGATGCCCAGAACCTACCGGGCATC[T>G]GCTTGGCTCGGCTGTACCAGGTGGGCCACGTCATTGAGCTGGACATTCCGGCGTATGAGA-3'
Protein context (NP_001129507.1, residues 201-221): DVAHLVQPSQ[Ala211=]DARMLMYQHQ